The following is an entry in ClinVar:

ClinVar aggregate classification (germline): Pathogenic (1 of 4 stars; one submission).

Allele frequency attached by ClinVar (database versions not stated): gnomAD exomes below 0.00001; TOPMed below 0.00001; ExAC 0.00001.

Submission:

Labcorp Genetics (formerly Invitae), Labcorp
Classification: Pathogenic. Last evaluated: 2023-12-13. Review status: criteria provided, single submitter. Criteria: Invitae Variant Classification Sherloc (09022015). Collection method: clinical testing. Allele origin: germline.
Comment: This sequence change creates a premature translational stop signal (p.Pro73Serfs*34) in the TUBGCP4 gene. It is expected to result in an absent or disrupted protein product. Loss-of-function variants in TUBGCP4 are known to be pathogenic (PMID: 25817018). This variant is present in population databases (rs762571376, gnomAD 0.006%). This variant has not been reported in the literature in individuals affected with TUBGCP4-related conditions. For these reasons, this variant has been classified as Pathogenic.

Literature cited by the submitters: PubMed 25817018.

NM_014444.5(TUBGCP4):c.216dup (p.Pro73fs)

Gene: TUBGCP4 (tubulin gamma complex component 4; plus strand). Cytogenetic location: 15q15.3.
Variant type: Duplication.
Coding change: c.216dup on transcript NM_014444.5 (MANE Select); coding-DNA position 216, one base duplicated (T; older notation c.216dupT).
Protein change: p.Pro73fs; shifts the reading frame from proline 73.
Molecular consequence: frameshift variant.
Genome position (GRCh38, 1-based): chr15:43,376,511, T duplicated. VCF-style (leftmost placement, unchanged base first): chr15-43376510-A-AT. GRCh37 (hg19) VCF-style: chr15-43668708-A-AT.
Other names: c.216dup, p.Pro73fs (NM_001286414.3); short protein forms P73fs.
Identifiers: ClinVar variation 2757298 (VCV002757298.3), dbSNP rs762571376, ClinGen allele CA7523704.